The following is an entry in ClinVar:

NM_001999.4(FBN2):c.2557A>C (p.Ile853Leu)

Gene: FBN2 (fibrillin 2; minus strand). Cytogenetic location: 5q23.3.
Variant type: single nucleotide variant.
Coding change: c.2557A>C on transcript NM_001999.4 (MANE Select); coding-DNA position 2557, A replaced by C.
Protein change: p.Ile853Leu; replaces isoleucine 853 with leucine.
Molecular consequence: missense variant.
Genome position (GRCh38, 1-based): chr5:128,357,393, T>G on the plus strand (A>C on the coding strand, the complement: FBN2 is on the minus strand). VCF-style: chr5-128357393-T-G. GRCh37 (hg19) VCF-style: chr5-127693085-T-G.
Other names: short protein forms I853L.
Identifiers: ClinVar variation 264426 (VCV000264426.11), dbSNP rs148598779, ClinGen allele CA3395498.

ClinVar aggregate classification (germline): Conflicting classifications of pathogenicity. Review status: criteria provided, conflicting classifications (1 of 4 stars). 3 submissions from 3 submitters: Uncertain significance (2); Likely benign (1). Last evaluated 2025-07-18.

Conditions:
Congenital contractural arachnodactyly (CCA). Also called: BEALS SYNDROME; Beals-Hecht syndrome; Arthrogryposis, distal, type 9. Identifiers: Orphanet 115, MedGen C0220668, MONDO:0007363, OMIM 121050.
Macular degeneration, early-onset (EOMD). Identifiers: MedGen C4015286, MONDO:0014501, OMIM 616118.
Familial thoracic aortic aneurysm and aortic dissection (TAAD). Also called: Thoracic aortic aneurysms and dissections. Identifiers: Orphanet 91387, MedGen C4707243, MONDO:0019625.

gnomAD v4.1: 75 of 1,613,748 alleles (0.0046%); highest among the groups gnomAD compares: South Asian, 0.079%; no homozygotes.

Submissions (3):

Labcorp Genetics (formerly Invitae), Labcorp
Classification: Uncertain significance for Congenital contractural arachnodactyly. Last evaluated: 2025-07-18. Review status: criteria provided, single submitter. Criteria: Invitae Variant Classification Sherloc (09022015). Collection method: clinical testing. Allele origin: germline.
Comment: This sequence change replaces isoleucine, which is neutral and non-polar, with leucine, which is neutral and non-polar, at codon 853 of the FBN2 protein (p.Ile853Leu). This variant is present in population databases (rs148598779, gnomAD 0.06%), and has an allele count higher than expected for a pathogenic variant. This variant has not been reported in the literature in individuals affected with FBN2-related conditions. ClinVar contains an entry for this variant (Variation ID: 264426). An algorithm developed to predict the effect of missense changes on protein structure and function (PolyPhen-2) suggests that this variant is likely to be tolerated. In summary, the available evidence is currently insufficient to determine the role of this variant in disease. Therefore, it has been classified as a Variant of Uncertain Significance.

Ambry Genetics
Classification: Likely benign for Familial thoracic aortic aneurysm and aortic dissection. Last evaluated: 2020-08-11. Review status: criteria provided, single submitter. Criteria: Ambry Variant Classification Scheme 2023. Collection method: clinical testing. Allele origin: germline.

Fulgent Genetics
Classification: Uncertain significance for Congenital contractural arachnodactyly; Macular degeneration, early-onset. Last evaluated: 2018-10-31. Review status: criteria provided, single submitter. Criteria: ACMG Guidelines, 2015. Collection method: clinical testing. Allele origin: unknown.